The following is an entry in ClinVar:

ClinVar aggregate classification (germline): Uncertain significance (1 of 4 stars; one submission).

Conditions:
Hereditary cancer-predisposing syndrome. Also called: Hereditary neoplastic syndrome; Neoplastic Syndromes, Hereditary; Tumor predisposition; Hereditary Cancer Syndrome. Identifiers: Orphanet 140162, MedGen C0027672, MeSH D009386, MONDO:0015356.

Submission:

Ambry Genetics
Classification: Uncertain significance for Hereditary cancer-predisposing syndrome. Last evaluated: 2025-08-27. Review status: criteria provided, single submitter. Criteria: Ambry Variant Classification Scheme 2023. Collection method: clinical testing. Allele origin: germline.
Comment: The p.R184L variant (also known as c.551G>T), located in coding exon 7 of the MUTYH gene, results from a G to T substitution at nucleotide position 551. The arginine at codon 184 is replaced by leucine, an amino acid with dissimilar properties. This amino acid position is conserved. In addition, the in silico prediction for this alteration is inconclusive. Based on the available evidence, the clinical significance of this variant remains unclear.

NM_001048174.2(MUTYH):c.467G>T (p.Arg156Leu)

Gene: MUTYH (mutY DNA glycosylase; minus strand). Cytogenetic location: 1p34.1.
Variant type: single nucleotide variant.
Coding change: c.467G>T on transcript NM_001048174.2 (MANE Select); coding-DNA position 467, G replaced by T.
Protein change: p.Arg156Leu; replaces arginine 156 with leucine.
Molecular consequence: missense variant. On other transcripts: non-coding transcript variant (7).
Genome position (GRCh38, 1-based): chr1:45,332,788, C>A on the plus strand (G>T on the coding strand, the complement: MUTYH is on the minus strand). VCF-style: chr1-45332788-C-A. GRCh37 (hg19) VCF-style: chr1-45798460-C-A.
Other names: c.425G>T, p.Arg142Leu (NM_001407080.1); c.467G>T, p.Arg156Leu (NM_001407081.1, NM_001293195.2, NM_001407070.1 and 6 more transcripts); c.122G>T, p.Arg41Leu (NM_001407082.1, NM_001350650.2, NM_001350651.2); c.509G>T, p.Arg170Leu (NM_001407083.1, NM_001407085.1); c.191G>T, p.Arg64Leu (NM_001293192.2, NM_001293196.2, NM_001407091.1); c.500G>T, p.Arg167Leu (NM_001407069.1, NM_001293191.2, NM_001407077.1); c.470G>T, p.Arg157Leu (NM_001407071.1, NM_001407086.1, NM_001048172.2 and 1 more transcripts); c.488G>T, p.Arg163Leu (NM_001407087.1); and 5 more; short protein forms R156L, R167L, R170L, R128L, R157L, R171L, R181L, R41L.
Identifiers: ClinVar variation 4113722 (VCV004113722.1).